The following is an entry in ClinVar:

NM_005655.4(KLF10):c.404A>G (p.Lys135Arg)

Gene: KLF10 (KLF transcription factor 10; minus strand). Cytogenetic location: 8q22.3.
Variant type: single nucleotide variant.
Coding change: c.404A>G on transcript NM_005655.4 (MANE Select); coding-DNA position 404, A replaced by G.
Protein change: p.Lys135Arg; replaces lysine 135 with arginine.
Molecular consequence: missense variant.
Genome position (GRCh38, 1-based): chr8:102,651,928, T>C on the plus strand (A>G on the coding strand, the complement: KLF10 is on the minus strand). VCF-style: chr8-102651928-T-C. GRCh37 (hg19) VCF-style: chr8-103664156-T-C.
Other names: c.371A>G, p.Lys124Arg (NM_001032282.4); short protein forms K124R, K135R.
Identifiers: ClinVar variation 1424916 (VCV001424916.8), dbSNP rs1224934982, ClinGen allele CA371628802.

ClinVar aggregate classification (germline): Uncertain significance (1 of 4 stars; one submission).

Allele frequency attached by ClinVar (database versions not stated): gnomAD 0.00001; gnomAD exomes 0.00001.

Submission:

Labcorp Genetics (formerly Invitae), Labcorp
Classification: Uncertain significance. Last evaluated: 2021-04-18. Review status: criteria provided, single submitter. Criteria: Invitae Variant Classification Sherloc (09022015). Collection method: clinical testing. Allele origin: germline.
Comment: In summary, the available evidence is currently insufficient to determine the role of this variant in disease. Therefore, it has been classified as a Variant of Uncertain Significance. Algorithms developed to predict the effect of sequence changes on RNA splicing suggest that this variant may create or strengthen a splice site, but this prediction has not been confirmed by published transcriptional studies. Algorithms developed to predict the effect of missense changes on protein structure and function (SIFT, PolyPhen-2, Align-GVGD) all suggest that this variant is likely to be tolerated, but these predictions have not been confirmed by published functional studies and their clinical significance is uncertain. This variant has not been reported in the literature in individuals with KLF10-related conditions. This variant is not present in population databases (ExAC no frequency). This sequence change replaces lysine with arginine at codon 135 of the KLF10 protein (p.Lys135Arg). The lysine residue is highly conserved and there is a small physicochemical difference between lysine and arginine.